The following is an entry in ClinVar:

NC_000023.11:g.18587953GC[1]

Gene: CDKL5 (cyclin dependent kinase like 5; plus strand). Cytogenetic location: Xp22.13.
Variant type: Microsatellite.
Genome position: GRCh38 VCF-style: chrX-18587952-AGC-A. GRCh37 (hg19) VCF-style: chrX-18606072-AGC-A.
Other names: NM_003159.3:c.556_557del.
Identifiers: ClinVar variation 3602012 (VCV003602012.1).
Genomic context (GRCh38, chrX:18,587,952, plus strand): 5'-GGAAATTATCAAAACATTATATTTTTTCAGTTGCCAAAATAATCTCTTCCTTTATTTTTC[AGC>A]GCTCCCTATGGAAAGTCCGTGGACATGTGGTCGGTGGGCTGTATTCTTGGGGAGCTTAGC-3'

ClinVar aggregate classification (germline): Likely pathogenic (1 of 4 stars; one submission).

Conditions:
CDKL5 disorder. Identifiers: MedGen CN296942, MONDO:0100039.

Submission:

Centre for Population Genomics, CPG
Classification: Likely pathogenic for CDKL5 disorder. Last evaluated: 2024-12-12. Review status: criteria provided, single submitter. Criteria: McKnight et al. (Hum Mutat. 2022). Collection method: curation. Allele origin: germline. Inheritance: X-linked inheritance.
Comment: This variant has been collected from RettBASE and curated to current modified ACMG/AMP criteria. Based on the classification scheme defined by the ClinGen Rett/Angelman-like Expert Panel for Rett/AS-like Disorders Specifications to the ACMG/AMP Variant Interpretation Guidelines VCEP 3.0, this variant is classified as likely pathogenic. At least the following criteria are met: Predicted to result in loss of function, and LOF is a known mechanism of disease (PVS1). This variant is absent from gnomAD (PM2_Supporting). Has been observed in at least 1 individual with phenotypes consistent with CDKL5 disorder (PMID: 25657822).